The following is an entry in ClinVar:

NM_007294.4(BRCA1):c.3398T>A (p.Leu1133Ter)

Genes: BRCA1 (BRCA1 DNA repair associated; minus strand), LOC126862571 (BRD4-independent group 4 enhancer GRCh37_chr17:41243136-41244335; plus strand). Cytogenetic location: 17q21.31.
Variant type: single nucleotide variant.
Coding change: c.3398T>A on transcript NM_007294.4 (MANE Select); coding-DNA position 3398, T replaced by A.
Protein change: p.Leu1133Ter; replaces leucine 1133 with a stop codon.
Molecular consequence: nonsense. On other transcripts: intron variant (135).
Genome position (GRCh38, 1-based): chr17:43,092,133, A>T on the plus strand (T>A on the coding strand, the complement: BRCA1 is on the minus strand). VCF-style: chr17-43092133-A-T. GRCh37 (hg19) VCF-style: chr17-41244150-A-T.
Other names: c.3185T>A, p.Leu1062Ter (NM_001407571.1, NM_001407853.1, NM_001407894.1 and 9 more transcripts); c.3398T>A, p.Leu1133Ter (NM_001407581.1, NM_001407582.1, NM_001407583.1 and 30 more transcripts); c.3395T>A, p.Leu1132Ter (NM_001407587.1, NM_001407590.1, NM_001407591.1 and 22 more transcripts); c.3389T>A, p.Leu1130Ter (NM_001407646.1, NM_001407647.1); c.3275T>A, p.Leu1092Ter (NM_001407648.1, NM_001407664.1, NM_001407665.1 and 19 more transcripts); c.3272T>A, p.Leu1091Ter (NM_001407649.1, NM_001407670.1, NM_001407671.1 and 11 more transcripts); c.3320T>A, p.Leu1107Ter (NM_001407653.1, NM_001407654.1, NM_001407655.1 and 4 more transcripts); c.3317T>A, p.Leu1106Ter (NM_001407659.1, NM_001407660.1, NM_001407661.1 and 1 more transcripts); and 41 more; short protein forms L1133*, L1086*, L1021*, L1044*, L1062*, L1005*, L1006*, L1022*.
Identifiers: ClinVar variation 54866 (VCV000054866.11), dbSNP rs80356971, ClinGen allele CA002196.

ClinVar aggregate classification (germline): Pathogenic. Review status: reviewed by expert panel (3 of 4 stars). 5 submissions from 5 submitters: Pathogenic (1). 4 of the submissions do not count toward it. Last evaluated 2016-09-08.

Conditions:
Hereditary cancer-predisposing syndrome. Also called: Tumor predisposition; Neoplastic Syndromes, Hereditary; Hereditary Cancer Syndrome; Hereditary neoplastic syndrome. Identifiers: Orphanet 140162, MedGen C0027672, MeSH D009386, MONDO:0015356.
Breast-ovarian cancer, familial, susceptibility to, 1 (BROVCA1). Also called: OVARIAN CANCER, SUSCEPTIBILITY TO; BRCA1 Hereditary Breast and Ovarian Cancer. Identifiers: Orphanet 145, MedGen C2676676, MONDO:0011450, OMIM 604370. Disease mechanism: loss of function.

Submissions (5):

Evidence-based Network for the Interpretation of Germline Mutant Alleles (ENIGMA)
Classification: Pathogenic for Breast-ovarian cancer, familial, susceptibility to, 1. Last evaluated: 2016-09-08. Review status: reviewed by expert panel. Criteria: ENIGMA BRCA1/2 Classification Criteria (2015). Collection method: curation. Allele origin: germline.
Comment: Variant allele predicted to encode a truncated non-functional protein.

Color Diagnostics, LLC DBA Color Health
Classification: Pathogenic for Hereditary cancer-predisposing syndrome. Last evaluated: 2023-06-30. Review status: criteria provided, single submitter. Criteria: ACMG Guidelines, 2015. Collection method: clinical testing. Allele origin: germline. Not counted in ClinVar's aggregate classification.
Comment: This variant changes 1 nucleotide in exon 10 of the BRCA1 gene, creating a premature translation stop signal. This variant is expected to result in an absent or non-functional protein product. A different nucleotide change, c.3398T>G, resulting in a premature termination codon at the same protein position, has been detected in several suspected hereditary breast and ovarian cancer families (PMID: 16287141, 26014432, 29446198). This variant has not been identified in the general population by the Genome Aggregation Database (gnomAD). Loss of BRCA1 function is a known mechanism of disease. Based on the available evidence, this variant is classified as Pathogenic.

Ambry Genetics
Classification: Pathogenic for Hereditary cancer-predisposing syndrome. Last evaluated: 2023-05-01. Review status: criteria provided, single submitter. Criteria: Ambry Variant Classification Scheme 2023. Collection method: clinical testing. Allele origin: germline. Not counted in ClinVar's aggregate classification.
Comment: The p.L1133* pathogenic mutation (also known as c.3398T>A), located in coding exon 9 of the BRCA1 gene, results from a T to A substitution at nucleotide position 3398. This changes the amino acid from a leucine to a stop codon within coding exon 9. While this exact alteration has not been reported in the literature, a different mutation resulting in the same stop codon (c.3398T>G) has been reported in individuals with Hereditary Breast and Ovarian Cancer Syndrome (HBOC) (Kroiss R et al. Hum. Mutat., 2005 Dec;26:583-9; P&ouml;lsler L et al. Eur. J. Hum. Genet., 2016 Feb;24:258-62; Rebbeck TR et al. Hum. Mutat., 2018 05;39:593-620). In addition to the clinical data presented in the literature, this alteration is expected to result in loss of function by premature protein truncation or nonsense-mediated mRNA decay. As such, this alteration is interpreted as a disease-causing mutation.

GeneDx
Classification: Pathogenic. Last evaluated: 2016-03-01. Review status: criteria provided, single submitter. Criteria: GeneDx Variant Classification (06012015). Collection method: clinical testing. Allele origin: germline. Affected: yes. Not counted in ClinVar's aggregate classification.
Comment: This variant is denoted BRCA1 c.3398T>A at the cDNA level and p.Leu1133Ter (L1133X) at the protein level. The substitution creates a nonsense variant, which changes a Leucine to a premature stop codon (TTA>TAA) , and is predicted to cause loss of normal protein function through either protein truncation or nonsense-mediated mRNA decay. Although this variant has not, to our knowledge, been reported in the literature, a different nucleotide change at the same position, BRCA1 c.3398T>G, resulting in the same Leu1133Ter nonsense change has been reported in association with breast and/or ovarian cancer (Kroiss 2005). Based on the currently available information, BRCA1 Leu1133Ter is considered pathogenic.

Breast Cancer Information Core (BIC) (BRCA1)
Classification: Pathogenic for Breast-ovarian cancer, familial 1. Last evaluated: 2004-11-25. Review status: no assertion criteria provided. Collection method: clinical testing. Allele origin: germline. Affected: yes. Observed: 1 variant allele. Not counted in ClinVar's aggregate classification.

Literature cited by the submitters: PubMed 16287141 (cited by Color Diagnostics, LLC DBA Color Health and Ambry Genetics); PubMed 26014432 (cited by Color Diagnostics, LLC DBA Color Health and Ambry Genetics); PubMed 29446198 (cited by Color Diagnostics, LLC DBA Color Health and Ambry Genetics).